The following is an entry in ClinVar:

NM_031475.3(ESPN):c.931C>A (p.Leu311Met)

Gene: ESPN (espin; plus strand). Cytogenetic location: 1p36.31.
Variant type: single nucleotide variant.
Coding change: c.931C>A on transcript NM_031475.3 (MANE Select); coding-DNA position 931, C replaced by A.
Protein change: p.Leu311Met; replaces leucine 311 with methionine.
Molecular consequence: missense variant.
Genome position (GRCh38, 1-based): chr1:6,441,006, C>A. VCF-style: chr1-6441006-C-A. GRCh37 (hg19) VCF-style: chr1-6501066-C-A.
Other names: c.931C>A, p.Leu311Met (NM_001367473.1, NM_001367474.1); short protein forms L311M.
Identifiers: ClinVar variation 228671 (VCV000228671.4), dbSNP rs766939513, ClinGen allele CA10576431.

ClinVar aggregate classification (germline): Uncertain significance (1 of 4 stars; one submission).

Allele frequency attached by ClinVar (database versions not stated): TOPMed below 0.00001; gnomAD 0.00001.
gnomAD v4.1: 16 of 1,610,240 alleles (0.00099%); highest among the groups gnomAD compares: Non-Finnish European, 0.0013%; no homozygotes.

Submission:

Laboratory for Molecular Medicine, Mass General Brigham Personalized Medicine
Classification: Uncertain significance. Last evaluated: 2015-06-05. Review status: criteria provided, single submitter. Criteria: LMM Criteria. Collection method: clinical testing. Allele origin: germline. Observed: 1 variant allele.
Comment: The p.Leu311Met variant in ESPN has not been previously reported in individuals with hearing loss and was absent from large population studies. Computational pr ediction tools and conservation analyses do not provide strong support for or ag ainst an impact to the protein. In summary, the clinical significance of the p.L eu311Met variant is uncertain.